The following is an entry in ClinVar:

ClinVar aggregate classification (germline): Pathogenic (1 of 4 stars; one submission).

Allele frequency attached by ClinVar (database versions not stated): gnomAD exomes below 0.00001; ExAC 0.00001.

Submission:

Labcorp Genetics (formerly Invitae), Labcorp
Classification: Pathogenic. Last evaluated: 2025-08-06. Review status: criteria provided, single submitter. Criteria: Invitae Variant Classification Sherloc (09022015). Collection method: clinical testing. Allele origin: germline.
Comment: This sequence change is expected to alter the c-terminus of the SLC45A2 protein (p.Phe525Leufs*16). While this is not anticipated to result in nonsense mediated decay, it is expected to disrupt the last 6 amino acid(s) of the SLC45A2 protein and extend the protein by 9 additional amino acid residues. This variant is present in population databases (rs780732891, gnomAD 0.0009%). This frameshift has been observed in individual(s) with oculocutaneous albinism (PMID: 14722913). This variant results in an extension of the SLC45A2 protein. Other variant(s) that result in a similarly extended protein product (p.Phe525Leufs*12) have been determined to be pathogenic (internal data). This suggests that these extensions are likely to be disease-causing. For these reasons, this variant has been classified as Pathogenic.

Literature cited by the submitters: PubMed 14722913.

NM_016180.5(SLC45A2):c.1567_1574dup (p.Phe525fs)

Gene: SLC45A2 (solute carrier family 45 member 2; minus strand). Cytogenetic location: 5p13.2.
Variant type: Duplication.
Coding change: c.1567_1574dup on transcript NM_016180.5 (MANE Select); coding-DNA positions 1567 to 1574, 8 bases duplicated (GCTCTCTT; older notation c.1567_1574dupGCTCTCTT).
Protein change: p.Phe525fs; shifts the reading frame from phenylalanine 525.
Molecular consequence: frameshift variant.
Genome position (GRCh38, 1-based): chr5:33,944,667-33,944,674, AAGAGAGC duplicated on the plus strand (GCTCTCTT on the coding strand, the reverse complement: SLC45A2 is on the minus strand). VCF-style (leftmost placement, unchanged base first): chr5-33944666-A-AAAGAGAGC. GRCh37 (hg19) VCF-style: chr5-33944771-A-AAAGAGAGC.
Other names: short protein forms F525fs.
Identifiers: ClinVar variation 4747427 (VCV004747427.1), dbSNP rs780732891.
Genomic context (GRCh38, chr5:33,944,666, plus strand): 5'-CTTCACTGTCTCTGAGGTTAGGGTCATTGTCTCTTTATTGACCTAATCCACATATCTAAC[A>AAAGAGAGC]AAGAGAGCGACAAAGCAACAGCCTATCAGTGCCACCGCAGACGCTGTGATCACCACGACG-3'